The following is an entry in ClinVar:

NM_030632.3(ASXL3):c.1210C>T (p.Gln404Ter)

Gene: ASXL3 (ASXL transcriptional regulator 3; plus strand). Cytogenetic location: 18q12.1.
Variant type: single nucleotide variant.
Coding change: c.1210C>T on transcript NM_030632.3 (MANE Select); coding-DNA position 1210, C replaced by T.
Protein change: p.Gln404Ter; replaces glutamine 404 with a stop codon.
Molecular consequence: nonsense.
Genome position (GRCh38, 1-based): chr18:33,738,614, C>T. VCF-style: chr18-33738614-C-T. GRCh37 (hg19) VCF-style: chr18-31318578-C-T.
Other names: short protein forms Q404*.
Identifiers: ClinVar variation 68451 (VCV000068451.9), dbSNP rs587777061, ClinGen allele CA145170.

ClinVar aggregate classification (germline): Pathogenic. Review status: criteria provided, multiple submitters, no conflicts (2 of 4 stars). 3 submissions from 3 submitters: Pathogenic (2). 1 of the submissions does not count toward it. Last evaluated 2021-02-04.

Conditions:
Bainbridge-Ropers syndrome. Also called: Severe feeding difficulties-failure to thrive-microcephaly due to ASXL3 deficiency syndrome. Identifiers: Orphanet 352577, MedGen C4750837, MONDO:0014205, OMIM 615485.

Submissions (3):

Labcorp Genetics (formerly Invitae), Labcorp
Classification: Pathogenic. Last evaluated: 2021-02-04. Review status: criteria provided, single submitter. Criteria: Invitae Variant Classification Sherloc (09022015). Collection method: clinical testing. Allele origin: germline.
Comment: This variant is not present in population databases (ExAC no frequency). For these reasons, this variant has been classified as Pathogenic. This variant has been observed in individual(s) with ASXL3-related conditions (PMID: 23383720). In at least one individual the variant was observed to be de novo. ClinVar contains an entry for this variant (Variation ID: 68451). This sequence change creates a premature translational stop signal (p.Gln404*) in the ASXL3 gene. It is expected to result in an absent or disrupted protein product. Loss-of-function variants in ASXL3 are known to be pathogenic (PMID: 26647312, 28100473).

Institute of Human Genetics Munich, TUM University Hospital
Classification: Pathogenic for Bainbridge-Ropers syndrome. Last evaluated: 2021-02-01. Review status: criteria provided, single submitter. Criteria: Classification criteria August 2017. Collection method: clinical testing. Allele origin: de novo. Inheritance: Autosomal dominant inheritance. Affected: yes. Observed: 1 variant allele.

OMIM
Classification: Pathogenic for BAINBRIDGE-ROPERS SYNDROME. Last evaluated: 2013-02-05. Review status: no assertion criteria provided. Collection method: literature only. Allele origin: germline. Not counted in ClinVar's aggregate classification.

Literature cited by the submitters: PubMed 23383720 (cited by Labcorp Genetics (formerly Invitae), Labcorp and OMIM); PubMed 26647312 (cited by Labcorp Genetics (formerly Invitae), Labcorp); PubMed 28100473 (cited by Labcorp Genetics (formerly Invitae), Labcorp).